The following is an entry in ClinVar:

ClinVar aggregate classification (germline): Likely benign. Review status: criteria provided, multiple submitters, no conflicts (2 of 4 stars). 3 submissions from 3 submitters: Likely benign (2). 1 of the submissions does not count toward it. Last evaluated 2025-10-06.

Conditions:
FUS-related disorder. Also called: FUS-related condition.
Inborn genetic diseases. Identifiers: MedGen C0950123, MeSH D030342.
Amyotrophic lateral sclerosis type 6. Also called: FUS-Related Amyotrophic Laterial Sclerosis; AMYOTROPHIC LATERAL SCLEROSIS 6 WITHOUT FRONTOTEMPORAL DEMENTIA; Amyotrophic lateral sclerosis 6, with or without frontotemporal dementia. Identifiers: Orphanet 275872, Orphanet 803, MedGen C2931786, MONDO:0011951, OMIM 608030.
Tremor, hereditary essential, 4 (ETM4). Identifiers: MedGen C3539195, MONDO:0013888, OMIM 614782.

Allele frequency attached by ClinVar (database versions not stated): gnomAD exomes 0.00003; ExAC 0.00008; ESP Exome Variant Server 0.00008; gnomAD 0.00033; TOPMed 0.00034; 1000 Genomes Project 0.00060; 1000 Genomes Project 30x 0.00078.
gnomAD v4.1: 86 of 1,614,172 alleles (0.0053%); highest among the groups gnomAD compares: African/African-American, 0.11%; no homozygotes.

Submissions (3):

Labcorp Genetics (formerly Invitae), Labcorp
Classification: Likely benign for Tremor, hereditary essential, 4; Amyotrophic lateral sclerosis type 6. Last evaluated: 2025-10-06. Review status: criteria provided, single submitter. Criteria: Invitae Variant Classification Sherloc (09022015). Collection method: clinical testing. Allele origin: germline.

Ambry Genetics
Classification: Likely benign for Inborn genetic diseases. Last evaluated: 2020-08-04. Review status: criteria provided, single submitter. Criteria: Ambry Variant Classification Scheme 2023. Collection method: clinical testing. Allele origin: germline.

PreventionGenetics, part of Exact Sciences
Classification: Likely benign for FUS-related condition. Last evaluated: 2024-07-21. Review status: no assertion criteria provided. Collection method: clinical testing. Allele origin: germline. Not counted in ClinVar's aggregate classification.
Comment: This variant is classified as likely benign based on ACMG/AMP sequence variant interpretation guidelines (Richards et al. 2015 PMID: 25741868, with internal and published modifications).

NM_004960.4(FUS):c.119G>C (p.Gly40Ala)

Gene: FUS (FUS RNA binding protein; plus strand). Cytogenetic location: 16p11.2.
Variant type: single nucleotide variant.
Coding change: c.119G>C on transcript NM_004960.4 (MANE Select); coding-DNA position 119, G replaced by C.
Protein change: p.Gly40Ala; replaces glycine 40 with alanine.
Molecular consequence: missense variant. On other transcripts: non-coding transcript variant (1).
Genome position (GRCh38, 1-based): chr16:31,182,593, G>C. VCF-style: chr16-31182593-G-C. GRCh37 (hg19) VCF-style: chr16-31193914-G-C.
Other names: c.119G>C, p.Gly40Ala (NM_001170634.1, NM_001170937.1); short protein forms G40A.
Identifiers: ClinVar variation 1746926 (VCV001746926.8), dbSNP rs147066627, ClinGen allele CA8023445.